The following is an entry in ClinVar:

NM_000138.5(FBN1):c.2939G>A (p.Cys980Tyr)

Gene: FBN1 (fibrillin 1; minus strand). Cytogenetic location: 15q21.1.
Variant type: single nucleotide variant.
Coding change: c.2939G>A on transcript NM_000138.5 (MANE Select); coding-DNA position 2939, G replaced by A.
Protein change: p.Cys980Tyr; replaces cysteine 980 with tyrosine.
Molecular consequence: missense variant.
Genome position (GRCh38, 1-based): chr15:48,489,994, C>T on the plus strand (G>A on the coding strand, the complement: FBN1 is on the minus strand). VCF-style: chr15-48489994-C-T. GRCh37 (hg19) VCF-style: chr15-48782191-C-T.
Other names: c.2939G>A, p.Cys980Tyr (NM_001406716.1); short protein forms C980Y.
Identifiers: ClinVar variation 4783803 (VCV004783803.1).

ClinVar aggregate classification (germline): Pathogenic (1 of 4 stars; one submission).

Conditions:
Marfan syndrome (MFS). Also called: FBN1-Related Marfan Syndrome; MARFAN SYNDROME, TYPE I; Marfan syndrome type 1; Marfan's syndrome; Marfan syndrome, classic. Identifiers: Orphanet 284963, Orphanet 558, MedGen C0024796, MONDO:0007947, OMIM 154700.
Familial thoracic aortic aneurysm and aortic dissection (TAAD). Also called: Thoracic aortic aneurysms and dissections. Identifiers: Orphanet 91387, MedGen C4707243, MONDO:0019625.

Submission:

Labcorp Genetics (formerly Invitae), Labcorp
Classification: Pathogenic for Marfan syndrome; Familial thoracic aortic aneurysm and aortic dissection. Last evaluated: 2025-07-08. Review status: criteria provided, single submitter. Criteria: Invitae Variant Classification Sherloc (09022015). Collection method: clinical testing. Allele origin: germline.
Comment: This sequence change replaces cysteine, which is neutral and slightly polar, with tyrosine, which is neutral and polar, at codon 980 of the FBN1 protein (p.Cys980Tyr). This variant is not present in population databases (gnomAD no frequency). This missense change has been observed in individual(s) with Marfan syndrome (PMID: 19293843). In at least one individual the variant was observed to be de novo. Invitae Evidence Modeling of protein sequence and biophysical properties (such as structural, functional, and spatial information, amino acid conservation, physicochemical variation, residue mobility, and thermodynamic stability) indicates that this missense variant is expected to disrupt FBN1 protein function with a positive predictive value of 95%. This variant affects a cysteine residue in the EGF-like, TGFBP or hybrid motif domains of FBN1. Cysteine residues are believed to be involved in intramolecular disulfide bridges and have been shown to be important for FBN1 protein structure (PMID: 16905551, 19349279). In addition, missense substitutions affecting cysteine residues within these domains are significantly overrepresented among patients with Marfan syndrome (PMID: 16571647, 17701892). For these reasons, this variant has been classified as Pathogenic.

Literature cited by the submitters: PubMed 19293843; PubMed 16905551; PubMed 19349279; PubMed 16571647; PubMed 17701892.